The following is an entry in ClinVar:

NM_182961.4(SYNE1):c.23905A>G (p.Ile7969Val)

Gene: SYNE1 (spectrin repeat containing nuclear envelope protein 1; minus strand). Cytogenetic location: 6q25.2.
Variant type: single nucleotide variant.
Coding change: c.23905A>G on transcript NM_182961.4 (MANE Select); coding-DNA position 23905, A replaced by G.
Protein change: p.Ile7969Val; replaces isoleucine 7969 with valine.
Molecular consequence: missense variant.
Genome position (GRCh38, 1-based): chr6:152,155,983, T>C on the plus strand (A>G on the coding strand, the complement: SYNE1 is on the minus strand). VCF-style: chr6-152155983-T-C. GRCh37 (hg19) VCF-style: chr6-152477118-T-C.
Other names: c.511A>G, p.Ile171Val (NM_001347701.2); c.370A>G, p.Ile124Val (NM_001347702.2); c.23692A>G, p.Ile7898Val (NM_033071.5); short protein forms I7898V, I124V, I171V, I7969V.
Identifiers: ClinVar variation 1470428 (VCV001470428.8), dbSNP rs766732148, ClinGen allele CA4053322.
Genomic context (GRCh38, chr6:152,155,983, plus strand): 5'-CCATGGACATAGCACAAATGTTTCTCCACCGCCGGTCCAGGTTTCTCGTAGCCTGCTGTA[T>C]AGAGTCACACTCGGCATCAGTGGCACAGGCGTCACAGTCGTGCAGCAGGACTTCACACAG-3'
Protein context (NP_892006.3, residues 7959-7979): ACATDAECDS[Ile7969Val]QQATRNLDRR

ClinVar aggregate classification (germline): Uncertain significance (1 of 4 stars; one submission).

Conditions:
Autosomal recessive ataxia, Beauce type. Also called: SYNE1-Related Autosomal Recessive Cerebellar Ataxia; Spinocerebellar ataxia, autosomal recessive 8; ATAXIA, RECESSIVE, OF BEAUCE; SYNE1 Deficiency. Identifiers: Orphanet 88644, MedGen C1853116, MONDO:0012549, OMIM 610743.
Emery-Dreifuss muscular dystrophy 4, autosomal dominant (EDMD4). Also called: EMERY-DREIFUSS MUSCULAR DYSTROPHY 4 WITH VARIABLE FEATURES. Identifiers: Orphanet 261, MedGen C2751807, MONDO:0013071, OMIM 612998.

Allele frequency attached by ClinVar (database versions not stated): gnomAD exomes below 0.00001; ExAC 0.00001.
gnomAD v4.1: 2 of 1,614,182 alleles (0.00012%); highest among the groups gnomAD compares: African/African-American, 0.0013%; no homozygotes.

Submission:

Labcorp Genetics (formerly Invitae), Labcorp
Classification: Uncertain significance for Emery-Dreifuss muscular dystrophy 4, autosomal dominant; Autosomal recessive ataxia, Beauce type. Last evaluated: 2020-10-21. Review status: criteria provided, single submitter. Criteria: Invitae Variant Classification Sherloc (09022015). Collection method: clinical testing. Allele origin: germline.
Comment: This sequence change replaces isoleucine with valine at codon 7898 of the SYNE1 protein (p.Ile7898Val). The isoleucine residue is highly conserved and there is a small physicochemical difference between isoleucine and valine. In summary, the available evidence is currently insufficient to determine the role of this variant in disease. Therefore, it has been classified as a Variant of Uncertain Significance. Algorithms developed to predict the effect of missense changes on protein structure and function are either unavailable or do not agree on the potential impact of this missense change (SIFT: "Deleterious"; PolyPhen-2: "Probably Damaging"; Align-GVGD: "Class C0"). This variant has not been reported in the literature in individuals with SYNE1-related conditions. This variant is present in population databases (rs766732148, ExAC 0.006%).